The following is an entry in ClinVar:

NM_173500.4(TTBK2):c.*482C>G

Gene: TTBK2 (tau tubulin kinase 2; minus strand). Cytogenetic location: 15q15.2.
Variant type: single nucleotide variant.
Coding change: c.*482C>G on transcript NM_173500.4 (MANE Select); 482 bases downstream of the stop codon, C replaced by G.
Molecular consequence: 3 prime UTR variant.
Genome position (GRCh38, 1-based): chr15:42,745,313, G>C on the plus strand (C>G on the coding strand, the complement: TTBK2 is on the minus strand). VCF-style: chr15-42745313-G-C. GRCh37 (hg19) VCF-style: chr15-43037511-G-C.
Identifiers: ClinVar variation 315973 (VCV000315973.6), dbSNP rs16957120, ClinGen allele CA10646972.

ClinVar aggregate classification (germline): Likely benign. Review status: criteria provided, multiple submitters, no conflicts (2 of 4 stars). 2 submissions from 2 submitters: Likely benign (2). Last evaluated 2017-04-27.

Conditions:
Spinocerebellar ataxia type 11 (SCA11). Identifiers: Orphanet 98767, MedGen C1858351, MONDO:0011464, OMIM 604432.

Allele frequency attached by ClinVar (database versions not stated): gnomAD exomes 0.01931; gnomAD 0.06118 and 0.06388; TOPMed 0.06658; 1000 Genomes Project 30x 0.07651; 1000 Genomes Project 0.07668.
gnomAD v4.1: 9,876 of 186,116 alleles (5.3%); highest among the groups gnomAD compares: African/African-American, 18%; 659 homozygotes.

Submissions (2):

Illumina Laboratory Services, Illumina
Classification: Likely benign for Spinocerebellar ataxia type 11. Last evaluated: 2017-04-27. Review status: criteria provided, single submitter. Criteria: ICSL Variant Classification Criteria 13 December 2019. Collection method: clinical testing. Allele origin: germline.
Comment: This variant was observed as part of a predisposition screen in an ostensibly healthy population. A literature search was performed for the gene, cDNA change, and amino acid change (where applicable). No publications were found based on this search. Allele frequency data from public databases allowed determination this variant is unlikely to cause disease. Therefore, this variant is classified as likely benign.

Breakthrough Genomics
Classification: Likely benign. Review status: criteria provided, single submitter. Criteria: ACMG Guidelines, 2015. Collection method: not provided. Allele origin: germline. Inheritance: Autosomal dominant inheritance. Affected: yes.